The following is an entry in ClinVar:

NM_013291.3(CPSF1):c.1236C>T (p.Ala412=)

Gene: CPSF1 (cleavage and polyadenylation specific factor 1; minus strand). Cytogenetic location: 8q24.3.
Variant type: single nucleotide variant.
Coding change: c.1236C>T on transcript NM_013291.3 (MANE Select); coding-DNA position 1236, C replaced by T.
Protein change: p.Ala412=; no amino-acid change (alanine 412 retained).
Molecular consequence: synonymous variant.
Genome position (GRCh38, 1-based): chr8:144,399,594, G>A on the plus strand (C>T on the coding strand, the complement: CPSF1 is on the minus strand). VCF-style: chr8-144399594-G-A. GRCh37 (hg19) VCF-style: chr8-145624984-G-A.
Identifiers: ClinVar variation 4979299 (VCV004979299.1).
Genomic context (GRCh38, chr8:144,399,594, plus strand): 5'-GCCACAGCAGTGCCCACATGAAGGGTGGTGGCCCAATGGGCCCAGGAAACCCACCTTGTC[G>A]GCAGCCTCACGGACAGCACTGGCCGGGGGCTCCTGCAGCTTCTCCGTGTACTTGAGGAGG-3'
Protein context (NP_037423.2, residues 402-422): EPPASAVREA[Ala412=]DKEEPPSKKK

ClinVar aggregate classification (germline): Likely benign (1 of 4 stars; one submission).

Conditions:
CPSF1-related disorder. Also called: CPSF1-related condition.

gnomAD v4.1: 131 of 1,610,472 alleles (0.0081%); highest among the groups gnomAD compares: East Asian, 0.26%; 1 homozygote.

Submission:

PreventionGenetics, part of Exact Sciences
Classification: Likely benign for CPSF1-related condition. Last evaluated: 2024-12-31. Review status: criteria provided, single submitter. Criteria: ACMG Guidelines, 2015. Collection method: clinical testing. Allele origin: germline.
Comment: This variant is classified as likely benign based on ACMG/AMP sequence variant interpretation guidelines (Richards et al. 2015 PMID: 25741868, with internal and published modifications).